The following is an entry in ClinVar:

ClinVar aggregate classification (germline): Uncertain significance (1 of 4 stars; one submission).

Conditions:
Short-rib thoracic dysplasia 6 with or without polydactyly (SRTD6). Also called: POLYDACTYLY WITH NEONATAL CHONDRODYSTROPHY, TYPE II; Majewski Syndrome; SHORT-RIB THORACIC DYSPLASIA 6 WITH POLYDACTYLY; SHORT-RIB THORACIC DYSPLASIA 6 WITHOUT POLYDACTYLY; SHORT RIB-POLYDACTYLY SYNDROME, TYPE IIA. Identifiers: MedGen C0024507, MONDO:0009894, OMIM 263520.

Submission:

Labcorp Genetics (formerly Invitae), Labcorp
Classification: Uncertain significance for Short-rib thoracic dysplasia 6 with or without polydactyly. Last evaluated: 2024-03-16. Review status: criteria provided, single submitter. Criteria: Invitae Variant Classification Sherloc (09022015). Collection method: clinical testing. Allele origin: germline.
Comment: This sequence change replaces lysine, which is basic and polar, with asparagine, which is neutral and polar, at codon 758 of the NEK1 protein (p.Lys758Asn). This variant is not present in population databases (gnomAD no frequency). This variant has not been reported in the literature in individuals affected with NEK1-related conditions. Advanced modeling of protein sequence and biophysical properties (such as structural, functional, and spatial information, amino acid conservation, physicochemical variation, residue mobility, and thermodynamic stability) performed at Invitae indicates that this missense variant is not expected to disrupt NEK1 protein function with a negative predictive value of 80%. In summary, the available evidence is currently insufficient to determine the role of this variant in disease. Therefore, it has been classified as a Variant of Uncertain Significance.

NM_001199397.3(NEK1):c.2358G>T (p.Lys786Asn)

Gene: NEK1 (NIMA related kinase 1; minus strand). Cytogenetic location: 4q33.
Variant type: single nucleotide variant.
Coding change: c.2358G>T on transcript NM_001199397.3 (MANE Select); coding-DNA position 2358, G replaced by T.
Protein change: p.Lys786Asn; replaces lysine 786 with asparagine.
Molecular consequence: missense variant. On other transcripts: non-coding transcript variant (1).
Genome position (GRCh38, 1-based): chr4:169,477,200, C>A on the plus strand (G>T on the coding strand, the complement: NEK1 is on the minus strand). VCF-style: chr4-169477200-C-A. GRCh37 (hg19) VCF-style: chr4-170398351-C-A.
Other names: c.2226G>T, p.Lys742Asn (NM_001199398.3); c.2067G>T, p.Lys689Asn (NM_001199399.3); c.2142G>T, p.Lys714Asn (NM_001199400.3); c.2358G>T, p.Lys786Asn (NM_001374418.1); c.2274G>T, p.Lys758Asn (NM_001374419.1, NM_012224.4); c.2223G>T, p.Lys741Asn (NM_001374420.1); c.2052G>T, p.Lys684Asn (NM_001374421.1); short protein forms K758N, K786N, K741N, K684N, K742N, K689N, K714N.
Identifiers: ClinVar variation 3645320 (VCV003645320.2).